The following is an entry in ClinVar:

ClinVar aggregate classification (germline): Pathogenic (1 of 4 stars; one submission).

Submission:

Labcorp Genetics (formerly Invitae), Labcorp
Classification: Pathogenic. Last evaluated: 2024-01-24. Review status: criteria provided, single submitter. Criteria: Invitae Variant Classification Sherloc (09022015). Collection method: clinical testing. Allele origin: germline.
Comment: This sequence change creates a premature translational stop signal (p.Asp708*) in the TELO2 gene. It is expected to result in an absent or disrupted protein product. Loss-of-function variants in TELO2 are known to be pathogenic (PMID: 28944240). This variant is not present in population databases (gnomAD no frequency). This variant has not been reported in the literature in individuals affected with TELO2-related conditions. ClinVar contains an entry for this variant (Variation ID: 2015550). For these reasons, this variant has been classified as Pathogenic.

Literature cited by the submitters: PubMed 28944240.

NM_016111.4(TELO2):c.2121dup (p.Asp708Ter)

Gene: TELO2 (telomere maintenance 2; plus strand). Cytogenetic location: 16p13.3.
Variant type: Duplication.
Coding change: c.2121dup on transcript NM_016111.4 (MANE Select); coding-DNA position 2121, one base duplicated (T; older notation c.2121dupT).
Protein change: p.Asp708Ter; replaces aspartic acid 708 with a stop codon.
Molecular consequence: nonsense.
Genome position (GRCh38, 1-based): chr16:1,506,324, T duplicated; the last of 3 consecutive T bases (chr16:1,506,322-1,506,324); duplicating any one gives the same sequence. VCF-style (leftmost placement, unchanged base first): chr16-1506321-C-CT. GRCh37 (hg19) VCF-style: chr16-1556322-C-CT.
Other names: c.2121dup, p.Asp708Ter (NM_001351846.2); short protein forms D708*.
Identifiers: ClinVar variation 2015550 (VCV002015550.4), dbSNP rs2505987224, ClinGen allele CA2580090479.